The following is an entry in ClinVar:

ClinVar aggregate classification (germline): Pathogenic. Review status: criteria provided, single submitter (1 of 4 stars). 2 submissions from 2 submitters: Pathogenic (1). 1 of the submissions does not count toward it. Last evaluated 2025-12-16.

Conditions:
Glycine encephalopathy 1 (GCE1). Identifiers: MedGen CN376801, MONDO:0958179, OMIM 605899.
Glycine encephalopathy. Also called: Non-ketotic hyperglycinemia; Nonketotic hyperglycinemia. Identifiers: Orphanet 407, MedGen C0751748, MONDO:0011612, HP:0008288.

Allele frequency attached by ClinVar (database versions not stated): gnomAD exomes below 0.00001.
gnomAD v4.1: 2 of 1,614,110 alleles (0.00012%); highest among the groups gnomAD compares: Admixed American, 0.0017%; no homozygotes.

Submissions (2):

Labcorp Genetics (formerly Invitae), Labcorp
Classification: Pathogenic for Glycine encephalopathy. Last evaluated: 2025-12-16. Review status: criteria provided, single submitter. Criteria: Invitae Variant Classification Sherloc (09022015). Collection method: clinical testing. Allele origin: germline.
Comment: This sequence change replaces serine, which is neutral and polar, with asparagine, which is neutral and polar, at codon 657 of the GLDC protein (p.Ser657Asn). This variant is present in population databases (no rsID available, gnomAD 0.003%). This missense change has been observed in individual(s) with nonketotic hyperglycinemia (PMID: 27362913). In at least one individual the data is consistent with being in trans (on the opposite chromosome) from a pathogenic variant. ClinVar contains an entry for this variant (Variation ID: 550016). Invitae Evidence Modeling of protein sequence and biophysical properties (such as structural, functional, and spatial information, amino acid conservation, physicochemical variation, residue mobility, and thermodynamic stability) indicates that this missense variant is expected to disrupt GLDC protein function with a positive predictive value of 95%. This variant disrupts the p.Ser657 amino acid residue in GLDC. Other variant(s) that disrupt this residue have been determined to be pathogenic (PMID: 26179960, 27362913). This suggests that this residue is clinically significant, and that variants that disrupt this residue are likely to be disease-causing. For these reasons, this variant has been classified as Pathogenic.

Counsyl
Classification: Uncertain significance for Glycine encephalopathy 1. Last evaluated: 2017-12-22. Review status: no assertion criteria provided. Collection method: clinical testing. Allele origin: unknown. Not counted in ClinVar's aggregate classification.

Literature cited by the submitters: PubMed 27362913 (cited by Labcorp Genetics (formerly Invitae), Labcorp and Counsyl); PubMed 26179960 (cited by Labcorp Genetics (formerly Invitae), Labcorp).

NM_000170.3(GLDC):c.1970G>A (p.Ser657Asn)

Gene: GLDC (glycine decarboxylase; minus strand). Cytogenetic location: 9p24.1.
Variant type: single nucleotide variant.
Coding change: c.1970G>A on transcript NM_000170.3 (MANE Select); coding-DNA position 1970, G replaced by A.
Protein change: p.Ser657Asn; replaces serine 657 with asparagine.
Molecular consequence: missense variant.
Genome position (GRCh38, 1-based): chr9:6,558,641, C>T on the plus strand (G>A on the coding strand, the complement: GLDC is on the minus strand). VCF-style: chr9-6558641-C-T. GRCh37 (hg19) VCF-style: chr9-6558641-C-T.
Other names: short protein forms S657N.
Identifiers: ClinVar variation 550016 (VCV000550016.13), dbSNP rs1301895668, ClinGen allele CA372881989.
Genomic context (GRCh38, chr9:6,558,641, plus strand): 5'-TCGATATTCCCATATTTATCCACCTCCACAGGCTGAATCTTCATGCCTGCCATGTGGGCA[C>T]TTGCTGGGTTGGTCCCATGTGCTGATTTCGGAATGAGGCAAACCTACAGAATAGAAAGGA-3'
Protein context (NP_000161.2, residues 647-667): PKSAHGTNPA[Ser657Asn]AHMAGMKIQP